The following is an entry in ClinVar:

NM_015346.4(ZFYVE26):c.1518T>G (p.Tyr506Ter)

Gene: ZFYVE26 (zinc finger FYVE-type containing 26; minus strand). Cytogenetic location: 14q24.1.
Variant type: single nucleotide variant.
Coding change: c.1518T>G on transcript NM_015346.4 (MANE Select); coding-DNA position 1518, T replaced by G.
Protein change: p.Tyr506Ter; replaces tyrosine 506 with a stop codon.
Molecular consequence: nonsense.
Genome position (GRCh38, 1-based): chr14:67,802,200, A>C on the plus strand (T>G on the coding strand, the complement: ZFYVE26 is on the minus strand). VCF-style: chr14-67802200-A-C. GRCh37 (hg19) VCF-style: chr14-68268917-A-C.
Other names: short protein forms Y506*.
Identifiers: ClinVar variation 5015250 (VCV005015250.1).

ClinVar aggregate classification (germline): Pathogenic (1 of 4 stars; one submission).

Conditions:
Hereditary spastic paraplegia 15 (SPG15). Also called: SPASTIC PARAPLEGIA 15, AUTOSOMAL RECESSIVE; KJELLIN SYNDROME; SPASTIC PARAPLEGIA AND RETINAL DEGENERATION. Identifiers: Orphanet 100996, MedGen C1849128, MONDO:0010044, OMIM 270700.

Submission:

Myriad Genetics, Inc.
Classification: Pathogenic for Hereditary spastic paraplegia 15. Last evaluated: 2025-11-22. Review status: criteria provided, single submitter. Criteria: Myriad Autosomal Dominant, Autosomal Recessive and X-Linked Classification Criteria (2023). Collection method: clinical testing. Allele origin: unknown.
Comment: NM_015346.3(ZFYVE26):c.1518T>G(Y506*) is expected to be pathogenic in the context of spastic paraplegia type 15. This variant is predicted to lead to an abnormal or absent protein product due to the creation of a premature termination codon in ZFYVE26, a gene where loss-of-function variants are known to be pathogenic. Please note: this variant was assessed in the context of healthy population screening.